The following is an entry in ClinVar:

NM_016239.4(MYO15A):c.374G>A (p.Arg125Gln)

Gene: MYO15A (myosin XVA; plus strand). Cytogenetic location: 17p11.2.
Variant type: single nucleotide variant.
Coding change: c.374G>A on transcript NM_016239.4 (MANE Select); coding-DNA position 374, G replaced by A.
Protein change: p.Arg125Gln; replaces arginine 125 with glutamine.
Molecular consequence: missense variant.
Genome position (GRCh38, 1-based): chr17:18,119,174, G>A. VCF-style: chr17-18119174-G-A. GRCh37 (hg19) VCF-style: chr17-18022488-G-A.
Other names: c.374G>A (NM_016239.3); short protein forms R125Q.
Identifiers: ClinVar variation 2647539 (VCV002647539.28), dbSNP rs775739005, ClinGen allele CA8422823.

ClinVar aggregate classification (germline): Conflicting classifications of pathogenicity. Review status: criteria provided, conflicting classifications (1 of 4 stars). 4 submissions from 4 submitters: Uncertain significance (2); Likely benign (2). Last evaluated 2025-08-11.

Conditions:
Inborn genetic diseases. Identifiers: MedGen C0950123, MeSH D030342.

Allele frequency attached by ClinVar (database versions not stated): gnomAD exomes 0.00003; ExAC 0.00005; TOPMed 0.00002; gnomAD 0.00003.
gnomAD v4.1: 54 of 1,612,274 alleles (0.0033%); highest among the groups gnomAD compares: Middle Eastern, 0.016%; no homozygotes.

Submissions (4):

GeneDx
Classification: Uncertain significance. Last evaluated: 2025-08-11. Review status: criteria provided, single submitter. Criteria: GeneDx Variant Classification Process June 2021. Collection method: clinical testing. Allele origin: germline. Affected: yes.
Comment: In silico analysis suggests that this missense variant does not alter protein structure/function; Has not been previously published as pathogenic or benign to our knowledge

Ambry Genetics
Classification: Likely benign for Inborn genetic diseases. Last evaluated: 2024-07-23. Review status: criteria provided, single submitter. Criteria: Ambry Variant Classification Scheme 2023. Collection method: clinical testing. Allele origin: germline.

Labcorp Genetics (formerly Invitae), Labcorp
Classification: Likely benign. Last evaluated: 2024-01-02. Review status: criteria provided, single submitter. Criteria: Invitae Variant Classification Sherloc (09022015). Collection method: clinical testing. Allele origin: germline.

CeGaT Center for Human Genetics Tuebingen
Classification: Uncertain significance. Last evaluated: 2023-10-01. Review status: criteria provided, single submitter. Criteria: CeGaT Center For Human Genetics Tuebingen Variant Classification Criteria Version 2. Collection method: clinical testing. Allele origin: germline. Affected: yes. Observed: 1 variant allele.
Comment: MYO15A: PM2, BP4